The following is an entry in ClinVar:

ClinVar aggregate classification (germline): Pathogenic. Review status: criteria provided, multiple submitters, no conflicts (2 of 4 stars). 37 submissions from 37 submitters: Pathogenic (32). 5 of the submissions do not count toward it. Last evaluated 2026-06-18.

Conditions:
Inherited polyposis and early onset colorectal cancer - germline testing.
APC-related disorder. Also called: APC-related condition.
Classic or attenuated familial adenomatous polyposis. Identifiers: MedGen CN372698, MONDO:0021057.
Craniopharyngioma. Also called: Rathke's pouch tumor; Craniopharyngeal duct tumor; Adamantinomatous tumor; Dysodontogenic epithelial tumor. Identifiers: Orphanet 54595, MedGen C0010276, MeSH D003397, MONDO:0018907, HP:0030062.
Hereditary cancer-predisposing syndrome. Also called: Hereditary Cancer Syndrome; Tumor predisposition; Neoplastic Syndromes, Hereditary; Hereditary neoplastic syndrome. Identifiers: Orphanet 140162, MedGen C0027672, MeSH D009386, MONDO:0015356.
Familial multiple polyposis syndrome (FAP). Also called: Familial adenomatous polyposis; Familial intestinal polyposis; Familial Adenomatous Polyposis (FAP); Classic familial adenomatous polyposis; Familial polyposis. Identifiers: Orphanet 733, MedGen C0032580, MONDO:0021055. Disease mechanism: loss of function.
Familial adenomatous polyposis 1 (FAP1). Also called: FAMILIAL ADENOMATOUS POLYPOSIS 1, ATTENUATED; POLYPOSIS, ADENOMATOUS INTESTINAL. Identifiers: MedGen C2713442, MONDO:0021056, OMIM 175100. Disease mechanism: loss of function.
Carcinoma of colon (CRC). Also called: Colonic carcinoma; Colon carcinoma. Identifiers: MedGen C0699790, MONDO:0002032.

Submissions 1 to 9 of 37:

Genomics and Molecular Medicine Service, East Genomic Laboratory Hub, NHS Genomic Medicine Service
Classification: Pathogenic for Inherited polyposis and early onset colorectal cancer - germline testing. Last evaluated: 2026-06-18. Review status: criteria provided, single submitter. Criteria: ACGS Best Practice Guidelines for Variant Classification in Rare Disease 2020. Collection method: clinical testing. Allele origin: germline. Affected: yes.
Comment: PVS1,PS4,PM2_Supporting

Labcorp Genetics (formerly Invitae), Labcorp
Classification: Pathogenic for Familial adenomatous polyposis 1. Last evaluated: 2025-12-03. Review status: criteria provided, single submitter. Criteria: Invitae Variant Classification Sherloc (09022015). Collection method: clinical testing. Allele origin: germline.
Comment: This sequence change creates a premature translational stop signal (p.Gln1062*) in the APC gene. While this is not anticipated to result in nonsense mediated decay, it is expected to disrupt the last 1782 amino acid(s) of the APC protein. This variant is present in population databases (rs587779352, gnomAD 0.0009%). This premature translational stop signal has been observed in individual(s) with familial adenomatous polyposis (PMID: 1316610, 8162022, 15771908). It has also been observed to segregate with disease in related individuals. ClinVar contains an entry for this variant (Variation ID: 88913). RNA analysis performed to evaluate the impact of this premature translational stop signal on mRNA splicing indicates it does not significantly alter splicing (internal data). This variant is expected to disrupt the EB1 and HDLG binding sites, which mediate interactions with the cytoskeleton (PMID: 15311282, 17293347). While functional studies have not been performed to directly test the effect on APC protein function, this suggests that disruption of the C-terminal portion of the protein is functionally important. This variant disrupts a region of the APC protein in which other variant(s) (p.Tyr2645Lysfs*14) have been determined to be pathogenic (PMID: 1316610, 8381579, 9824584, 22135120, 27081525; internal data). This suggests that this is a clinically significant region of the protein, and that variants that disrupt it are likely to be disease-causing. For these reasons, this variant has been classified as Pathogenic.

Dasa
Classification: Pathogenic. Last evaluated: 2025-10-25. Review status: criteria provided, single submitter. Criteria: DASA Assertion Criteria. Collection method: clinical testing. Allele origin: germline.
Comment: NM_000038.6(APC):c.3183_3187del (p.Gln1062Ter) is a nonsense variant in APC predicted to introduce a premature termination codon and is predicted to result in an absent or altered protein product. Loss of function is an established disease mechanism for APC (PMID: 1651174; PMID: 10051640; PMID: 23159591). This variant has been recurrently observed in individuals with APC-related disorders (PMID: 1316610; PMID: 8162022; PMID: 15771908; PMID: 26625971). Also, this variant is rare in population databases. Based on the currently available evidence, this variant is classified as pathogenic.

Catlab - Consorci Sanitari de Terrassa
Classification: Pathogenic for Hereditary cancer-predisposing syndrome. Last evaluated: 2025-08-24. Review status: criteria provided, single submitter. Criteria: ClinGen CRC ACMG Specifications APC V2.1.0. Collection method: clinical testing. Allele origin: germline.
Comment: Based on the currently available information, this variant is classified as Pathogenic according to ClinGen-APC v2.1.0 guidelines. ACMG criteria: PVS1, PS4_very strong , PM6_very strong, PM2_supp.

Ambry Genetics
Classification: Pathogenic for Hereditary cancer-predisposing syndrome. Last evaluated: 2025-04-30. Review status: criteria provided, single submitter. Criteria: Ambry Variant Classification Scheme 2023. Collection method: clinical testing. Allele origin: germline.
Comment: The c.3183_3187delACAAA pathogenic mutation (also known as p.Q1062*), located in coding exon 15 of the APC gene, results from a deletion of 5 nucleotides at nucleotide positions 3183 to 3187. This changes the amino acid from a glutamine to a stop codon within coding exon 15. This mutation has been identified in numerous individuals and families from a variety of ethnic backgrounds with classic familial adenomatous polyposis (FAP), including some individuals with extra colonic manifestations including desmoid tumors, gastrointestinal cancers, papillary thyroid cancer, congenital hypertrophy of the retinal pigment epithelium (CHRPE), and epidermal cysts (Miyoshi Y et al. Proc. Natl. Acad. Sci. U.S.A. 1992 May;89:4452-6; Won YJ et al. J. Hum. Genet. 1999;44:103-8; Gonz&aacute;lez S et al. Cancer Genet. Cytogenet. 2005 Apr;158:70-4; Kim DW et al. Hum. Mutat. 2005 Sep;26:281; Friedl W & Aretz S. Hered. Cancer Clin. Pract. 2005 Sep;3:95-114; Plawski A & Slomski R. J. Appl. Genet. 2008;49:407-14; Fostira F et al. BMC Cancer. 2010 Jul;10:389; Rivera B et al. Ann. Oncol. 2011 Apr;22:903-9; Kerr SE et al. J. Mol. Diagn. 2013 Jan;15:31-43; Papp J et al. Fam. Cancer. 2016 Jan;15(1):85-97; Dahl NA et al. J. Pediatr. Hematol. Oncol. 2016 07;38(5):e154-7). Of note, this alteration is also described as a truncation at codon 1061 or codon 1060, and as c.3221_3225delACAAA in the literature. In addition to the clinical data presented in the literature, this alteration is expected to result in loss of function by premature protein truncation. As such, this alteration is interpreted as a disease-causing mutation.

Center for Genomic Medicine, Rigshospitalet, Copenhagen University Hospital
Classification: Pathogenic. Last evaluated: 2025-03-04. Review status: criteria provided, single submitter. Criteria: ACMG Guidelines, 2015. Collection method: clinical testing. Allele origin: germline.

ARUP Laboratories, Molecular Genetics and Genomics, ARUP Laboratories
Classification: Pathogenic. Last evaluated: 2024-12-23. Review status: criteria provided, single submitter. Criteria: ARUP Molecular Germline Variant Investigation Process 2024. Collection method: clinical testing. Allele origin: germline.
Comment: The APC c.3183_3187del; p.Gln1062Ter variant (rs587779352) is reported in several individuals with familial adenomatous polyposis (Lee 2022, Miyoshi 1992, Papp 2016), and is reported in ClinVar (Variation ID: 88913). This variant is only found on one allele in the Genome Aggregation Database, indicating it is not a common polymorphism. This variant causes a frameshift by deleting five nucleotides, so it is predicted to result in a truncated protein or mRNA subject to nonsense-mediated decay. Based on available information, this variant is considered to be pathogenic. References: Lee JK et al. Necessity of multiplex ligation probe amplification in genetic tests: Germline variant analysis of the APC gene in familial adenomatous polyposis patients. Cancer Genet. 2022 Apr;262-263:95-101. PMID: 35189564. Miyoshi Y et al. Germ-line mutations of the APC gene in 53 familial adenomatous polyposis patients. Proc Natl Acad Sci U S A. 1992 May 15;89(10):4452-6. PMID: 1316610. Papp J et al. Contribution of APC and MUTYH mutations to familial adenomatous polyposis susceptibility in Hungary. Fam Cancer. 2016 Jan;15(1):85-97. PMID: 26446593.

CeGaT Center for Human Genetics Tuebingen
Classification: Pathogenic. Last evaluated: 2024-12-01. Review status: criteria provided, single submitter. Criteria: CeGaT Center For Human Genetics Tuebingen Variant Classification Criteria Version 2. Collection method: clinical testing. Allele origin: germline. Affected: yes. Observed: 3 variant alleles.
Comment: APC: PVS1, PM2, PS4:Moderate

3billion
Classification: Pathogenic for Familial adenomatous polyposis 1. Last evaluated: 2024-11-15. Review status: criteria provided, single submitter. Criteria: ACMG Guidelines, 2015. Collection method: clinical testing. Allele origin: germline. Affected: yes.
Comment: The variant is observed at an extremely low frequency in the gnomAD v4.1.0 dataset (total allele frequency: <0.001%). Predicted Consequence/Location: Stop-gained (nonsense): predicted to result in a loss or disruption of normal protein function through protein truncation. The predicted truncated protein may be shortened by more than 10%. The variant has been reported at least twice as pathogenic with clinical assertions and evidence for the classification (ClinVar ID: VCV000088913 /PMID: 1316610 /3billion dataset). Therefore, this variant is classified as Pathogenic according to the recommendation of ACMG/AMP guideline.

NM_000038.6(APC):c.3183_3187del (p.Lys1061_Gln1062insTer)

Gene: APC (APC regulator of Wnt signaling pathway; plus strand). Cytogenetic location: 5q22.2.
Variant type: Deletion.
Coding change: c.3183_3187del on transcript NM_000038.6 (MANE Select); coding-DNA positions 3183 to 3187, 5 bases deleted (ACAAA; older notation c.3183_3187delACAAA).
Protein change: p.Lys1061_Gln1062insTer.
Molecular consequence: frameshift variant. On other transcripts: nonsense (20).
Genome position (GRCh38, 1-based): chr5:112,838,777-112,838,781, ACAAA deleted; deleting any 5 consecutive bases within chr5:112,838,774-112,838,781 gives the same sequence; the c. name uses the placement nearest the transcript's 3' end. VCF-style (leftmost placement, unchanged base first): chr5-112838773-TAAAAC-T. GRCh37 (hg19) VCF-style: chr5-112174470-TAAAAC-T.
Other names: c.3183_3187del, p.Lys1061_Gln1062insTer (NM_001127510.3, NM_001354895.2); c.3129_3133del, p.Lys1043_Gln1044insTer (NM_001127511.3); c.3237_3241del, p.Lys1079_Gln1080insTer (NM_001354896.2); c.3213_3217del, p.Lys1071_Gln1072insTer (NM_001354897.2); c.3108_3112del, p.Lys1036_Gln1037insTer (NM_001354898.2); c.3099_3103del, p.Lys1033_Gln1034insTer (NM_001354899.2); c.3060_3064del, p.Lys1020_Gln1021insTer (NM_001354900.2); c.3006_3010del, p.Lys1002_Gln1003insTer (NM_001354901.2); and 17 more.
Identifiers: ClinVar variation 88913 (VCV000088913.95), dbSNP rs587779352, ClinGen allele CA008137.